The following is an entry in ClinVar:

NM_001330288.2(SMARCC2):c.1469T>C (p.Leu490Pro)

Gene: SMARCC2 (SWI/SNF related BAF chromatin remodeling complex subunit C2; minus strand). Cytogenetic location: 12q13.2.
Variant type: single nucleotide variant.
Coding change: c.1469T>C on transcript NM_001330288.2 (MANE Select); coding-DNA position 1469, T replaced by C.
Protein change: p.Leu490Pro; replaces leucine 490 with proline.
Molecular consequence: missense variant.
Genome position (GRCh38, 1-based): chr12:56,174,678, A>G on the plus strand (T>C on the coding strand, the complement: SMARCC2 is on the minus strand). VCF-style: chr12-56174678-A-G. GRCh37 (hg19) VCF-style: chr12-56568462-A-G.
Other names: c.1469T>C, p.Leu490Pro (NM_001130420.3, NM_003075.5, NM_139067.4); short protein forms L490P.
Identifiers: ClinVar variation 4840556 (VCV004840556.1).

ClinVar aggregate classification (germline): Likely pathogenic (1 of 4 stars; one submission).

Conditions:
Inborn genetic diseases. Identifiers: MedGen C0950123, MeSH D030342.

Submission:

Ambry Genetics
Classification: Likely pathogenic for Inborn genetic diseases. Last evaluated: 2026-03-10. Review status: criteria provided, single submitter. Criteria: Ambry Variant Classification Scheme 2023. Collection method: clinical testing. Allele origin: germline.
Comment: The c.1469T>C (p.L490P) alteration is located in exon 16 (coding exon 16) of the SMARCC2 gene. This alteration results from a T to C substitution at nucleotide position 1469, causing the leucine (L) at amino acid position 490 to be replaced by a proline (P). This variant was not reported in population-based cohorts in the Genome Aggregation Database (gnomAD). This amino acid position is highly conserved in available vertebrate species. This alteration is predicted to be deleterious by in silico analysis. Based on the available evidence, this alteration is classified as likely pathogenic.